The following is an entry in ClinVar:

ClinVar aggregate classification (germline): Benign. Review status: criteria provided, multiple submitters, no conflicts (2 of 4 stars). 3 submissions from 3 submitters: Benign (2). 1 of the submissions does not count toward it. Last evaluated 2019-12-31.

Conditions:
HIP1-related disorder. Also called: HIP1-related condition.

Allele frequency attached by ClinVar (database versions not stated): TOPMed 0.00151; gnomAD 0.00118 and 0.00171; gnomAD exomes 0.00165 and 0.00348; ExAC 0.00364; 1000 Genomes Project 30x 0.00593; 1000 Genomes Project 0.00699.
gnomAD v4.1: 2,823 of 1,605,496 alleles (0.18%); highest among the groups gnomAD compares: East Asian, 5.6%; 91 homozygotes.

Submissions (3):

Labcorp Genetics (formerly Invitae), Labcorp
Classification: Benign. Last evaluated: 2019-12-31. Review status: criteria provided, single submitter. Criteria: Invitae Variant Classification Sherloc (09022015). Collection method: clinical testing. Allele origin: germline.

Breakthrough Genomics
Classification: Benign. Review status: criteria provided, single submitter. Criteria: ACMG Guidelines, 2015. Collection method: not provided. Allele origin: germline. Inheritance: Unknown mechanism. Affected: yes.

PreventionGenetics, part of Exact Sciences
Classification: Likely benign for HIP1-related condition. Last evaluated: 2019-09-24. Review status: no assertion criteria provided. Collection method: clinical testing. Allele origin: germline. Not counted in ClinVar's aggregate classification.
Comment: This variant is classified as likely benign based on ACMG/AMP sequence variant interpretation guidelines (Richards et al. 2015 PMID: 25741868, with internal and published modifications).

NM_005338.7(HIP1):c.605-9A>G

Gene: HIP1 (huntingtin interacting protein 1; minus strand). Cytogenetic location: 7q11.23.
Variant type: single nucleotide variant.
Coding change: c.605-9A>G on transcript NM_005338.7 (MANE Select); 9 bases into the intron before coding-DNA position 605, A replaced by G.
Molecular consequence: intron variant.
Genome position (GRCh38, 1-based): chr7:75,573,910, T>C on the plus strand (A>G on the coding strand, the complement: HIP1 is on the minus strand). VCF-style: chr7-75573910-T-C. GRCh37 (hg19) VCF-style: chr7-75203215-T-C.
Other names: c.605-9A>G (NM_001243198.3).
Identifiers: ClinVar variation 779918 (VCV000779918.7), dbSNP rs117466457, ClinGen allele CA4302568.
Genomic context (GRCh38, chr7:75,573,910, plus strand): 5'-TGCCCTGCTGCCGTCACGGACACAGAGCGGGACATGTCCAGGGAGTTGAATACTAGGAAA[T>C]AAAAGTGAGGGAGAAAGGTGGTAGAGCCAGGGGATTACAGGCAGCCTCTTCAGAGGGGCA-3'